The following is an entry in ClinVar:

NM_014003.4(DHX38):c.590C>T (p.Pro197Leu)

Gene: DHX38 (DEAH-box helicase 38; plus strand). Cytogenetic location: 16q22.2.
Variant type: single nucleotide variant.
Coding change: c.590C>T on transcript NM_014003.4 (MANE Select); coding-DNA position 590, C replaced by T.
Protein change: p.Pro197Leu; replaces proline 197 with leucine.
Molecular consequence: missense variant.
Genome position (GRCh38, 1-based): chr16:72,097,755, C>T. VCF-style: chr16-72097755-C-T. GRCh37 (hg19) VCF-style: chr16-72131654-C-T.
Other names: short protein forms P197L.
Identifiers: ClinVar variation 1523233 (VCV001523233.6), dbSNP rs762555103, ClinGen allele CA8160016.

ClinVar aggregate classification (germline): Uncertain significance (1 of 4 stars; one submission).

Allele frequency attached by ClinVar (database versions not stated): gnomAD exomes below 0.00001; TOPMed below 0.00001; ExAC 0.00001; gnomAD 0.00003.
gnomAD v4.1: 4 of 1,613,816 alleles (0.00025%); highest among the groups gnomAD compares: African/African-American, 0.0053%; no homozygotes.

Submission:

Labcorp Genetics (formerly Invitae), Labcorp
Classification: Uncertain significance. Last evaluated: 2022-03-02. Review status: criteria provided, single submitter. Criteria: Invitae Variant Classification Sherloc (09022015). Collection method: clinical testing. Allele origin: germline.
Comment: In summary, the available evidence is currently insufficient to determine the role of this variant in disease. Therefore, it has been classified as a Variant of Uncertain Significance. Algorithms developed to predict the effect of missense changes on protein structure and function are either unavailable or do not agree on the potential impact of this missense change (SIFT: "Deleterious"; PolyPhen-2: "Benign"; Align-GVGD: "Class C15"). This variant has not been reported in the literature in individuals affected with DHX38-related conditions. This variant is present in population databases (rs762555103, gnomAD 0.01%). This sequence change replaces proline, which is neutral and non-polar, with leucine, which is neutral and non-polar, at codon 197 of the DHX38 protein (p.Pro197Leu).